The following is an entry in ClinVar:

NM_006361.6(HOXB13):c.411C>T (p.Tyr137=)

Gene: HOXB13 (homeobox B13; minus strand). Cytogenetic location: 17q21.32.
Variant type: single nucleotide variant.
Coding change: c.411C>T on transcript NM_006361.6 (MANE Select); coding-DNA position 411, C replaced by T.
Protein change: p.Tyr137=; no amino-acid change (tyrosine 137 retained).
Molecular consequence: synonymous variant.
Genome position (GRCh38, 1-based): chr17:48,728,183, G>A on the plus strand (C>T on the coding strand, the complement: HOXB13 is on the minus strand). VCF-style: chr17-48728183-G-A. GRCh37 (hg19) VCF-style: chr17-46805545-G-A.
Identifiers: ClinVar variation 483476 (VCV000483476.58), dbSNP rs377339084, ClinGen allele CA8633990.
Genomic context (GRCh38, chr17:48,728,183, plus strand): 5'-TTCTCCAGGAGCACCCAGAGTCTGCACCACAGACACGTCCAGGTAACTGGCCATAGGCTG[G>A]TAGGTTCCCGGATATCCCGGATAGAAGGCAAACTCAGTGGGGCGGCTGGGGTACTCTTCC-3'
Protein context (NP_006352.2, residues 127-147): FAFYPGYPGT[Tyr137=]QPMASYLDVS

ClinVar aggregate classification (germline): Benign/Likely benign. Review status: criteria provided, multiple submitters, no conflicts (2 of 4 stars). 10 submissions from 10 submitters: Benign (2); Likely benign (7). 1 of the submissions does not count toward it. Last evaluated 2026-02-02.

Conditions:
HOXB13-related disorder. Also called: HOXB13-related condition; HOXB13-related disorders.
Prostate cancer, hereditary, 9 (HPC9). Identifiers: Orphanet 1331, MedGen C1970250, MONDO:0012597, OMIM 610997.
Hereditary cancer-predisposing syndrome. Also called: Hereditary neoplastic syndrome; Tumor predisposition; Neoplastic Syndromes, Hereditary; Hereditary Cancer Syndrome. Identifiers: Orphanet 140162, MedGen C0027672, MeSH D009386, MONDO:0015356.

Allele frequency attached by ClinVar (database versions not stated): ESP Exome Variant Server 0.00008; gnomAD exomes 0.00017 and 0.00018; TOPMed 0.00018; ExAC 0.00019; gnomAD 0.00021 and 0.00022.

Submissions (10):

Labcorp Genetics (formerly Invitae), Labcorp
Classification: Likely benign. Last evaluated: 2026-02-02. Review status: criteria provided, single submitter. Criteria: Invitae Variant Classification Sherloc (09022015). Collection method: clinical testing. Allele origin: germline.

CeGaT Center for Human Genetics Tuebingen
Classification: Likely benign. Last evaluated: 2025-09-01. Review status: criteria provided, single submitter. Criteria: CeGaT Center For Human Genetics Tuebingen Variant Classification Criteria Version 2. Collection method: clinical testing. Allele origin: germline. Affected: yes. Observed: 4 variant alleles.
Comment: HOXB13: BP4, BP7

Myriad Genetics, Inc.
Classification: Benign for Prostate cancer, hereditary, 9. Last evaluated: 2024-10-29. Review status: criteria provided, single submitter. Criteria: Myriad Autosomal Dominant, Autosomal Recessive and X-Linked Classification Criteria (2023). Collection method: clinical testing. Allele origin: unknown.
Comment: This variant is considered benign. This variant is a silent/synonymous amino acid change and it is not expected to impact splicing.

Blueprint Genetics
Classification: Likely benign. Last evaluated: 2024-10-28. Review status: criteria provided, single submitter. Criteria: ACMG Guidelines, 2015. Collection method: clinical testing. Allele origin: germline.

Department of Pathology and Laboratory Medicine, Sinai Health System
Classification: Likely benign for Prostate cancer, hereditary, 9. Last evaluated: 2022-08-10. Review status: criteria provided, single submitter. Criteria: ACMG Guidelines, 2015. Collection method: clinical testing. Allele origin: germline. Affected: no.

Quest Diagnostics Nichols Institute San Juan Capistrano
Classification: Benign. Last evaluated: 2021-08-25. Review status: criteria provided, single submitter. Criteria: Quest Diagnostics criteria. Collection method: clinical testing. Allele origin: unknown.

Sema4
Classification: Likely benign for Hereditary cancer-predisposing syndrome. Last evaluated: 2020-08-12. Review status: criteria provided, single submitter. Criteria: Sema4 Curation Guidelines. Collection method: curation. Allele origin: germline.

GeneDx
Classification: Likely benign. Last evaluated: 2020-08-04. Review status: criteria provided, single submitter. Criteria: GeneDx Variant Classification Process June 2021. Collection method: clinical testing. Allele origin: germline. Affected: yes.

Ambry Genetics
Classification: Likely benign for Hereditary cancer-predisposing syndrome. Last evaluated: 2017-05-22. Review status: criteria provided, single submitter. Criteria: Ambry Variant Classification Scheme 2023. Collection method: clinical testing. Allele origin: germline.

PreventionGenetics, part of Exact Sciences
Classification: Likely benign for HOXB13-related condition. Last evaluated: 2021-11-03. Review status: no assertion criteria provided. Collection method: clinical testing. Allele origin: germline. Not counted in ClinVar's aggregate classification.
Comment: This variant is classified as likely benign based on ACMG/AMP sequence variant interpretation guidelines (Richards et al. 2015 PMID: 25741868, with internal and published modifications).